The following is an entry in ClinVar:

NM_001401501.2(MUC16):c.41769+10G>T

Gene: MUC16 (mucin 16, cell surface associated; minus strand). Cytogenetic location: 19p13.2.
Variant type: single nucleotide variant.
Coding change: c.41769+10G>T on transcript NM_001401501.2 (MANE Select); 10 bases into the intron after coding-DNA position 41769, G replaced by T.
Molecular consequence: intron variant.
Genome position (GRCh38, 1-based): chr19:8,883,456, C>A on the plus strand (G>T on the coding strand, the complement: MUC16 is on the minus strand). VCF-style: chr19-8883456-C-A. GRCh37 (hg19) VCF-style: chr19-8994132-C-A.
Other names: c.42195+10G>T (NM_001414686.1); c.41649+10G>T (NM_001414687.1); c.41543+10G>T (NM_024690.2).
Identifiers: ClinVar variation 3056190 (VCV003056190.2), dbSNP rs1397788853, ClinGen allele CA631395389.

ClinVar aggregate classification (germline): Likely benign (0 of 4 stars; one submission).

Conditions:
MUC16-related disorder. Also called: MUC16-related condition.

Submission:

PreventionGenetics, part of Exact Sciences
Classification: Likely benign for MUC16-related condition. Last evaluated: 2019-10-28. Review status: no assertion criteria provided. Collection method: clinical testing. Allele origin: germline.
Comment: This variant is classified as likely benign based on ACMG/AMP sequence variant interpretation guidelines (Richards et al. 2015 PMID: 25741868, with internal and published modifications).